The following is an entry in ClinVar:

NM_006531.5(IFT88):c.2258A>G (p.Tyr753Cys)

Gene: IFT88 (intraflagellar transport 88; plus strand). Cytogenetic location: 13q12.11.
Variant type: single nucleotide variant.
Coding change: c.2258A>G on transcript NM_006531.5 (MANE Select); coding-DNA position 2258, A replaced by G.
Protein change: p.Tyr753Cys; replaces tyrosine 753 with cysteine.
Molecular consequence: missense variant. On other transcripts: non-coding transcript variant (4), intron variant (5).
Genome position (GRCh38, 1-based): chr13:20,690,720, A>G. VCF-style: chr13-20690720-A-G. GRCh37 (hg19) VCF-style: chr13-21264859-A-G.
Other names: c.2285A>G (NM_175605.3); c.2201A>G, p.Tyr734Cys (NM_001318491.2); c.2285A>G, p.Tyr762Cys (NM_001318493.2, NM_001353565.2, NM_001353566.2 and 2 more transcripts); c.2258A>G, p.Tyr753Cys (NM_001353568.2); c.2183A>G, p.Tyr728Cys (NM_001353569.2, NM_001353570.2); c.2156A>G, p.Tyr719Cys (NM_001353571.2); c.2114A>G, p.Tyr705Cys (NM_001353573.2); c.2099A>G, p.Tyr700Cys (NM_001353574.2); and 5 more; short protein forms Y705C, Y728C, Y753C, Y542C, Y734C, Y700C, Y719C, Y762C.
Identifiers: ClinVar variation 2170495 (VCV002170495.5), dbSNP rs566137469, ClinGen allele CA6905728.
Genomic context (GRCh38, chr13:20,690,720, plus strand): 5'-TTCTCAACATATTAAACAAATGCATTTTTATTTTCGTGTTTTCAGATAGTGGCCAGAACT[A>G]TAGTGCCAGTAGTAAAGGTGAACGACTAAGTGCCAGACTCAGAGCTTTACCTGGGACAAA-3'
Protein context (NP_006522.2, residues 743-763): GSASGDSGQN[Tyr753Cys]SASSKGERLS

ClinVar aggregate classification (germline): Conflicting classifications of pathogenicity. Review status: criteria provided, conflicting classifications (1 of 4 stars). 2 submissions from 2 submitters: Uncertain significance (1); Likely benign (1). Last evaluated 2025-10-30.

Allele frequency attached by ClinVar (database versions not stated): gnomAD exomes 0.00001; ExAC 0.00004; gnomAD 0.00006; TOPMed 0.00007; 1000 Genomes Project 30x 0.00016; 1000 Genomes Project 0.00020.
gnomAD v4.1: 26 of 1,611,546 alleles (0.0016%); highest among the groups gnomAD compares: African/African-American, 0.019%; no homozygotes.

Submissions (2):

Ambry Genetics
Classification: Likely benign. Last evaluated: 2025-10-30. Review status: criteria provided, single submitter. Criteria: Ambry Variant Classification Scheme 2023. Collection method: clinical testing. Allele origin: germline.

Labcorp Genetics (formerly Invitae), Labcorp
Classification: Uncertain significance. Last evaluated: 2024-01-14. Review status: criteria provided, single submitter. Criteria: Invitae Variant Classification Sherloc (09022015). Collection method: clinical testing. Allele origin: germline.
Comment: This sequence change replaces tyrosine, which is neutral and polar, with cysteine, which is neutral and slightly polar, at codon 762 of the IFT88 protein (p.Tyr762Cys). This variant is present in population databases (rs566137469, gnomAD 0.03%). This variant has not been reported in the literature in individuals affected with IFT88-related conditions. ClinVar contains an entry for this variant (Variation ID: 2170495). Algorithms developed to predict the effect of missense changes on protein structure and function output the following: SIFT: "Not Available"; PolyPhen-2: "Benign"; Align-GVGD: "Not Available". The cysteine amino acid residue is found in multiple mammalian species, which suggests that this missense change does not adversely affect protein function. In summary, the available evidence is currently insufficient to determine the role of this variant in disease. Therefore, it has been classified as a Variant of Uncertain Significance.